The following is an entry in ClinVar:

NM_000368.5(TSC1):c.1828G>A (p.Val610Met)

Gene: TSC1 (TSC complex subunit 1; minus strand). Cytogenetic location: 9q34.13.
Variant type: single nucleotide variant.
Coding change: c.1828G>A on transcript NM_000368.5 (MANE Select); coding-DNA position 1828, G replaced by A.
Protein change: p.Val610Met; replaces valine 610 with methionine.
Molecular consequence: missense variant.
Genome position (GRCh38, 1-based): chr9:132,905,750, C>T on the plus strand (G>A on the coding strand, the complement: TSC1 is on the minus strand). VCF-style: chr9-132905750-C-T. GRCh37 (hg19) VCF-style: chr9-135781137-C-T.
Other names: c.1825G>A, p.Val609Met (NM_001162426.2); c.1675G>A, p.Val559Met (NM_001162427.2); c.1465G>A, p.Val489Met (NM_001362177.2); short protein forms V489M, V609M, V559M, V610M.
Identifiers: ClinVar variation 860574 (VCV000860574.9), dbSNP rs1845619200, ClinGen allele CA375363237.

ClinVar aggregate classification (germline): Uncertain significance (1 of 4 stars; one submission).

Conditions:
Tuberous sclerosis 1 (TSC1). Identifiers: Orphanet 805, MedGen C1854465, MONDO:0008612, OMIM 191100.

Submission:

Labcorp Genetics (formerly Invitae), Labcorp
Classification: Uncertain significance for Tuberous sclerosis 1. Last evaluated: 2022-07-19. Review status: criteria provided, single submitter. Criteria: Invitae Variant Classification Sherloc (09022015). Collection method: clinical testing. Allele origin: germline.
Comment: This sequence change replaces valine, which is neutral and non-polar, with methionine, which is neutral and non-polar, at codon 610 of the TSC1 protein (p.Val610Met). This variant is not present in population databases (gnomAD no frequency). This variant has not been reported in the literature in individuals affected with TSC1-related conditions. ClinVar contains an entry for this variant (Variation ID: 860574). Algorithms developed to predict the effect of missense changes on protein structure and function output the following: SIFT: "Tolerated"; PolyPhen-2: "Benign"; Align-GVGD: "Class C0". The methionine amino acid residue is found in multiple mammalian species, which suggests that this missense change does not adversely affect protein function. In summary, the available evidence is currently insufficient to determine the role of this variant in disease. Therefore, it has been classified as a Variant of Uncertain Significance.